The following is an entry in ClinVar:

NM_170731.5(BDNF):c.3+9C>T

Gene: BDNF (brain derived neurotrophic factor; minus strand). Cytogenetic location: 11p14.1.
Variant type: single nucleotide variant.
Coding change: c.3+9C>T on transcript NM_170731.5; 9 bases into the intron after coding-DNA position 3, C replaced by T.
Molecular consequence: intron variant.
Genome position (GRCh38, 1-based): chr11:27,721,403, G>A on the plus strand (C>T on the coding strand, the complement: BDNF is on the minus strand). VCF-style: chr11-27721403-G-A. GRCh37 (hg19) VCF-style: chr11-27742950-G-A.
Identifiers: ClinVar variation 4986493 (VCV004986493.1).

ClinVar aggregate classification (germline): Likely benign (1 of 4 stars; one submission).

Conditions:
BDNF-related disorder. Also called: BDNF-related condition.

gnomAD v4.1: 1 of 1,614,010 alleles (0.000062%); highest among the groups gnomAD compares: African/African-American, 0.0013%; no homozygotes.

Submission:

PreventionGenetics, part of Exact Sciences
Classification: Likely benign for BDNF-related condition. Last evaluated: 2025-05-22. Review status: criteria provided, single submitter. Criteria: ACMG Guidelines, 2015. Collection method: clinical testing. Allele origin: germline.
Comment: This variant is classified as likely benign based on ACMG/AMP sequence variant interpretation guidelines (Richards et al. 2015 PMID: 25741868, with internal and published modifications).